The following is an entry in ClinVar:

NM_006767.4(LZTR1):c.150_151del (p.Val51fs)

Gene: LZTR1 (leucine zipper like post translational regulator 1; plus strand). Cytogenetic location: 22q11.21.
Variant type: Deletion.
Coding change: c.150_151del on transcript NM_006767.4 (MANE Select); coding-DNA positions 150 to 151, 2 bases deleted (AG; older notation c.150_151delAG).
Protein change: p.Val51fs; shifts the reading frame from valine 51.
Molecular consequence: frameshift variant.
Genome position (GRCh38, 1-based): chr22:20,982,521-20,982,522, AG deleted. VCF-style (leftmost placement, unchanged base first): chr22-20982520-CAG-C. GRCh37 (hg19) VCF-style: chr22-21336809-CAG-C.
Other names: short protein forms V51fs.
Identifiers: ClinVar variation 524146 (VCV000524146.8), dbSNP rs1194536394, ClinGen allele CA513488675.

ClinVar aggregate classification (germline): Pathogenic/Likely pathogenic. Review status: criteria provided, multiple submitters, no conflicts (2 of 4 stars). 4 submissions from 4 submitters: Pathogenic (3); Likely pathogenic (1). Last evaluated 2026-03-25.

Conditions:
Hereditary cancer-predisposing syndrome. Also called: Tumor predisposition; Hereditary neoplastic syndrome; Neoplastic Syndromes, Hereditary; Hereditary Cancer Syndrome. Identifiers: Orphanet 140162, MedGen C0027672, MeSH D009386, MONDO:0015356.
Cardiovascular phenotype. Identifiers: MedGen CN230736.
Noonan syndrome 2 (NS2). Identifiers: Orphanet 648, MedGen C1854469, MONDO:0011531, OMIM 605275.

Allele frequency attached by ClinVar (database versions not stated): gnomAD exomes below 0.00001; TOPMed below 0.00001.

Submissions (4):

Ambry Genetics
Classification: Pathogenic for Cardiovascular phenotype; Hereditary cancer-predisposing syndrome. Last evaluated: 2026-03-25. Review status: criteria provided, single submitter. Criteria: Ambry Variant Classification Scheme 2023. Collection method: clinical testing. Allele origin: germline.
Comment: The c.150_151delAG pathogenic mutation, located in coding exon 1 of the LZTR1 gene, results from a deletion of two nucleotides at nucleotide positions 150 to 151, causing a translational frameshift with a predicted alternate stop codon (p.V51Afs*26). This alteration is expected to result in loss of function by premature protein truncation or nonsense-mediated mRNA decay. Loss-of-function variants in LZTR1 are related to an increased risk for schwannomas and autosomal recessive Noonan syndrome; however, such associations with autosomal dominant Noonan syndrome have not been observed (Piotrowski A et al. Nat Genet. 2014 Feb;46:182-7; Yamamoto GL et al. J Med Genet. 2015 Jun;52:413-21; Johnston JJ et al. Genet Med. 2018 10;20:1175-1185). Based on the supporting evidence, this variant is pathogenic for an increased risk of LZTR1-related schwannomatosis (SWN) and would be expected to cause autosomal recessive Noonan syndrome when present along with a second pathogenic or likely pathogenic variant on the other allele; however, the association of this variant with autosomal dominant Noonan syndrome is unlikely.

Labcorp Genetics (formerly Invitae), Labcorp
Classification: Pathogenic. Last evaluated: 2025-12-22. Review status: criteria provided, single submitter. Criteria: Invitae Variant Classification Sherloc (09022015). Collection method: clinical testing. Allele origin: germline.
Comment: This sequence change creates a premature translational stop signal (p.Val51Alafs*26) in the LZTR1 gene. It is expected to result in an absent or disrupted protein product. Loss-of-function variants in LZTR1 are known to be pathogenic (PMID: 24362817, 25335493, 25480913, 25795793, 29469822, 30368668, 30442762, 30442766, 30481304, 30859559). This variant is present in population databases (no rsID available, gnomAD 0.003%). This variant has not been reported in the literature in individuals affected with LZTR1-related conditions. ClinVar contains an entry for this variant (Variation ID: 524146). For these reasons, this variant has been classified as Pathogenic.

Victorian Clinical Genetics Services, Murdoch Childrens Research Institute
Classification: Pathogenic for Noonan syndrome 2. Last evaluated: 2023-12-20. Review status: criteria provided, single submitter. Criteria: ACMG Guidelines, 2015. Collection method: clinical testing. Allele origin: germline. Inheritance: Autosomal recessive inheritance. Affected: yes.
Comment: Based on the classification scheme VCGS_Germline_v1.3.4, this variant is classified as Pathogenic. Following criteria are met: 0102 - Loss of function is a known mechanism of disease in this gene and is associated with autosomal recessive Noonan syndrome 2 (MIM#605275). Dominant negative is the mechanism suspected for autosomal dominant Noonan syndrome 10 (MIM#616564). (I) 0108 - This gene is associated with both recessive and dominant disease. (I) 0201 - Variant is predicted to cause nonsense-mediated decay (NMD) and loss of protein (premature termination codon is located at least 54 nucleotides upstream of the final exon-exon junction). (SP) 0251 - This variant is heterozygous. (I) 0304 - Variant is present in gnomAD (v2) <0.01 (1 heterozygote, 0 homozygotes). (SP) 0701 - Other NMD predicted variants comparable to the one identified in this case have very strong previous evidence for pathogenicity (DECIPHER). (SP) 0803 - This variant has limited previous evidence of pathogenicity in unrelated individuals. This variant has been classified as pathogenic and likely pathogenic by clinical laboratories in ClinVar. (SP) 0905 - No published segregation evidence has been identified for this variant. (I) 1007 - No published functional evidence has been identified for this variant. (I) Legend: (SP) - Supporting pathogenic, (I) - Information, (SB) - Supporting benign

GeneDx
Classification: Likely pathogenic. Last evaluated: 2018-05-04. Review status: criteria provided, single submitter. Criteria: GeneDx Variant Classification (06012015). Collection method: clinical testing. Allele origin: germline. Affected: yes.
Comment: The c.150_151delAG variant in the LZTR1 gene has not been published as a pathogenic variant, nor has it been reported as a benign variant to our knowledge. It causes a frameshift starting with codon Valine 51, changes this amino acid to an Alanine residue and creates a premature Stop codon at position 26 of the new reading frame, denoted p.Val51AlafsX26. This variant is predicted to cause loss of normal protein function either through protein truncation or nonsense-mediated mRNA decay. The variant is not observed in large population cohorts (Lek et al., 2016). In summary, we consider this variant to be likely pathogenic.

Literature cited by the submitters: PubMed 24362817 (cited by Labcorp Genetics (formerly Invitae), Labcorp); PubMed 25335493 (cited by Labcorp Genetics (formerly Invitae), Labcorp); PubMed 25480913 (cited by Labcorp Genetics (formerly Invitae), Labcorp); PubMed 25795793 (cited by Labcorp Genetics (formerly Invitae), Labcorp); PubMed 29469822 (cited by Labcorp Genetics (formerly Invitae), Labcorp); PubMed 30368668 (cited by Labcorp Genetics (formerly Invitae), Labcorp); PubMed 30442762 (cited by Labcorp Genetics (formerly Invitae), Labcorp); PubMed 30442766 (cited by Labcorp Genetics (formerly Invitae), Labcorp); PubMed 30481304 (cited by Labcorp Genetics (formerly Invitae), Labcorp); PubMed 30859559 (cited by Labcorp Genetics (formerly Invitae), Labcorp).